The following is an entry in ClinVar:

ClinVar aggregate classification (germline): Likely pathogenic (1 of 4 stars; one submission).

Submission:

Labcorp Genetics (formerly Invitae), Labcorp
Classification: Likely pathogenic. Last evaluated: 2026-01-02. Review status: criteria provided, single submitter. Criteria: Invitae Variant Classification Sherloc (09022015). Collection method: clinical testing. Allele origin: germline.
Comment: This sequence change affects an acceptor splice site in intron 19 of the LARS2 gene. It is expected to disrupt RNA splicing. Variants that disrupt the donor or acceptor splice site typically lead to a loss of protein function (PMID: 16199547), and loss-of-function variants in LARS2 are known to be pathogenic (PMID: 23541342, 30737337). This variant is not present in population databases (gnomAD no frequency). This variant has not been reported in the literature in individuals affected with LARS2-related conditions. Algorithms developed to predict the effect of sequence changes on RNA splicing suggest that this variant may disrupt the consensus splice site. In summary, the currently available evidence indicates that the variant is pathogenic, but additional data are needed to prove that conclusively. Therefore, this variant has been classified as Likely Pathogenic.

Literature cited by the submitters: PubMed 16199547; PubMed 23541342; PubMed 30737337.

NM_015340.4(LARS2):c.2293-2A>G

Gene: LARS2 (leucyl-tRNA synthetase 2, mitochondrial; plus strand). Cytogenetic location: 3p21.31.
Variant type: single nucleotide variant.
Coding change: c.2293-2A>G on transcript NM_015340.4 (MANE Select); the canonical splice acceptor site of the intron before coding-DNA position 2293, A replaced by G.
Molecular consequence: splice acceptor variant.
Genome position (GRCh38, 1-based): chr3:45,523,995, A>G. VCF-style: chr3-45523995-A-G. GRCh37 (hg19) VCF-style: chr3-45565487-A-G.
Other names: c.2293-2A>G (NM_001368263.1).
Identifiers: ClinVar variation 4772005 (VCV004772005.1).